The following is an entry in ClinVar:

NM_030943.4(AMN):c.844-14_845del

Gene: AMN (amnion associated transmembrane protein; plus strand). Cytogenetic location: 14q32.32.
Variant type: Deletion.
Coding change: c.844-14_845del on transcript NM_030943.4 (MANE Select); 14 bases into the intron before coding-DNA position 844 through coding-DNA position 845, 16 bases deleted (GTCCCCCTCCCCAGCC).
Molecular consequence: splice acceptor variant.
Genome position (GRCh38, 1-based): chr14:102,929,910-102,929,925, GTCCCCCTCCCCAGCC deleted; deleting any 16 consecutive bases within chr14:102,929,908-102,929,925 gives the same sequence; the c. name uses the placement nearest the transcript's 3' end. VCF-style (leftmost placement, unchanged base first): chr14-102929907-CCCGTCCCCCTCCCCAG-C. GRCh37 (hg19) VCF-style: chr14-103396244-CCCGTCCCCCTCCCCAG-C.
Other names: c.682-14_683del (NM_001425246.1).
Identifiers: ClinVar variation 3709970 (VCV003709970.3).
Genomic context (GRCh38, chr14:102,929,907, plus strand): 5'-TGCCTCTGCCCTTAGCGTCCCCATAGGCTCGGGGAGGGCGGGGGGCTGAGTCAAACCAAC[CCCGTCCCCCTCCCCAG>C]CCTCAGTACCACGGGCTGCAGGTGGCCGTGTCCAAGGTGCCACGCTCGTCCCGGCTCCGT-3'

ClinVar aggregate classification (germline): Likely pathogenic. Review status: criteria provided, multiple submitters, no conflicts (2 of 4 stars). 2 submissions from 2 submitters: Likely pathogenic (2). Last evaluated 2024-06-22.

Conditions:
AMN-related disorder. Also called: AMN-related condition.
Imerslund-Grasbeck syndrome. Also called: Imerslund-Gräsbeck syndrome; PERNICIOUS ANEMIA, JUVENILE, DUE TO SELECTIVE INTESTINAL MALABSORPTION OF VITAMIN B12, WITH PROTEINURIA; Megaloblastic anemia due to inborn errors of metabolism; ENTEROCYTE COBALAMIN MALABSORPTION; ENTEROCYTE INTRINSIC FACTOR RECEPTOR, DEFECT OF. Identifiers: Orphanet 35858, MedGen C4551825, MONDO:0009853.

Submissions (2):

Labcorp Genetics (formerly Invitae), Labcorp
Classification: Likely pathogenic for Imerslund-Grasbeck syndrome. Last evaluated: 2024-06-22. Review status: criteria provided, single submitter. Criteria: Invitae Variant Classification Sherloc (09022015). Collection method: clinical testing. Allele origin: germline.
Comment: This variant results in the deletion of part of exon 9 (c.844-14_845del) of the AMN gene. It is expected to disrupt RNA splicing. Variants that disrupt the donor or acceptor splice site typically lead to a loss of protein function (PMID: 16199547), and loss-of-function variants in AMN are known to be pathogenic (PMID: 12590260, 22929189). This variant is not present in population databases (gnomAD no frequency). This variant has not been reported in the literature in individuals affected with AMN-related conditions. In summary, the currently available evidence indicates that the variant is pathogenic, but additional data are needed to prove that conclusively. Therefore, this variant has been classified as Likely Pathogenic.

Blueprint Genetics
Classification: Likely pathogenic for AMN-related disorders. Last evaluated: 2021-03-24. Review status: criteria provided, single submitter. Criteria: ACMG Guidelines, 2015. Collection method: clinical testing. Allele origin: germline. Affected: yes. Observed: 1 variant allele.

Literature cited by the submitters: PubMed 16199547 (cited by Labcorp Genetics (formerly Invitae), Labcorp); PubMed 12590260 (cited by Labcorp Genetics (formerly Invitae), Labcorp); PubMed 22929189 (cited by Labcorp Genetics (formerly Invitae), Labcorp).